The following is an entry in ClinVar:

ClinVar aggregate classification (germline): Uncertain significance. Review status: criteria provided, multiple submitters, no conflicts (2 of 4 stars). 2 submissions from 2 submitters: Uncertain significance (2). Last evaluated 2025-09-22.

Conditions:
Inborn genetic diseases. Identifiers: MedGen C0950123, MeSH D030342.

Allele frequency attached by ClinVar (database versions not stated): ExAC 0.00001; TOPMed 0.00002.
gnomAD v4.1: 4 of 1,613,436 alleles (0.00025%); highest among the groups gnomAD compares: Admixed American, 0.0017%; no homozygotes.

Submissions (2):

Ambry Genetics
Classification: Uncertain significance for Inborn genetic diseases. Last evaluated: 2025-09-22. Review status: criteria provided, single submitter. Criteria: Ambry Variant Classification Scheme 2023. Collection method: clinical testing. Allele origin: germline.

Labcorp Genetics (formerly Invitae), Labcorp
Classification: Uncertain significance. Last evaluated: 2022-08-10. Review status: criteria provided, single submitter. Criteria: Invitae Variant Classification Sherloc (09022015). Collection method: clinical testing. Allele origin: germline.
Comment: This sequence change replaces tryptophan, which is neutral and slightly polar, with arginine, which is basic and polar, at codon 22 of the SLC39A14 protein (p.Trp22Arg). This variant is present in population databases (rs751325399, gnomAD 0.003%). This variant has not been reported in the literature in individuals affected with SLC39A14-related conditions. Algorithms developed to predict the effect of missense changes on protein structure and function are either unavailable or do not agree on the potential impact of this missense change (SIFT: "Deleterious"; PolyPhen-2: "Possibly Damaging"; Align-GVGD: "Class C0"). In summary, the available evidence is currently insufficient to determine the role of this variant in disease. Therefore, it has been classified as a Variant of Uncertain Significance.

NM_001128431.4(SLC39A14):c.64T>C (p.Trp22Arg)

Gene: SLC39A14 (solute carrier family 39 member 14; plus strand). Cytogenetic location: 8p21.3.
Variant type: single nucleotide variant.
Coding change: c.64T>C on transcript NM_001128431.4 (MANE Select); coding-DNA position 64, T replaced by C.
Protein change: p.Trp22Arg; replaces tryptophan 22 with arginine.
Molecular consequence: missense variant.
Genome position (GRCh38, 1-based): chr8:22,404,774, T>C. VCF-style: chr8-22404774-T-C. GRCh37 (hg19) VCF-style: chr8-22262287-T-C.
Other names: c.64T>C (NM_001135153.1); c.64T>C, p.Trp22Arg (NM_001135153.3, NM_001135154.3, NM_001351655.2 and 3 more transcripts); c.94T>C, p.Trp32Arg (NM_001351657.2, NM_001351658.2, NM_001351659.2); short protein forms W22R, W32R.
Identifiers: ClinVar variation 1961187 (VCV001961187.3), dbSNP rs751325399, ClinGen allele CA4667217.
Genomic context (GRCh38, chr8:22,404,774, plus strand): 5'-AAGCTGCTGCTGCTGCACCCGGCCTTCCAGAGCTGCCTCCTGCTGACCCTGCTTGGCTTA[T>C]GGAGAACCACCCCTGAGGCTCACGCTTCATCCCTGGGTGCACCAGCTATCAGCGCTGCCT-3'
Protein context (NP_001121903.1, residues 12-32): SCLLLTLLGL[Trp22Arg]RTTPEAHASS